The following is an entry in ClinVar:

NM_001349338.3(FOXP1):c.76T>A (p.Leu26Ile)

Gene: FOXP1 (forkhead box P1; minus strand). Cytogenetic location: 3p13.
Variant type: single nucleotide variant.
Coding change: c.76T>A on transcript NM_001349338.3 (MANE Select); coding-DNA position 76, T replaced by A.
Protein change: p.Leu26Ile; replaces leucine 26 with isoleucine.
Molecular consequence: missense variant. On other transcripts: non-coding transcript variant (2).
Genome position (GRCh38, 1-based): chr3:71,198,306, A>T on the plus strand (T>A on the coding strand, the complement: FOXP1 is on the minus strand). VCF-style: chr3-71198306-A-T. GRCh37 (hg19) VCF-style: chr3-71247457-A-T.
Other names: c.76T>A, p.Leu26Ile (NM_001012505.2, NM_001244808.3, NM_001244810.2 and 7 more transcripts); short protein forms L26I.
Identifiers: ClinVar variation 1718126 (VCV001718126.5), dbSNP rs533097431, ClinGen allele CA353565175.

ClinVar aggregate classification (germline): Uncertain significance (1 of 4 stars; one submission).

gnomAD v4.1: 1 of 1,613,272 alleles (0.000062%); highest among the groups gnomAD compares: Non-Finnish European, 0.000085%; no homozygotes.

Submission:

Labcorp Genetics (formerly Invitae), Labcorp
Classification: Uncertain significance. Last evaluated: 2022-09-14. Review status: criteria provided, single submitter. Criteria: Invitae Variant Classification Sherloc (09022015). Collection method: clinical testing. Allele origin: germline.
Comment: This sequence change replaces leucine, which is neutral and non-polar, with isoleucine, which is neutral and non-polar, at codon 26 of the FOXP1 protein (p.Leu26Ile). This variant is not present in population databases (gnomAD no frequency). This variant has not been reported in the literature in individuals affected with FOXP1-related conditions. Advanced modeling of protein sequence and biophysical properties (such as structural, functional, and spatial information, amino acid conservation, physicochemical variation, residue mobility, and thermodynamic stability) has been performed at Invitae for this missense variant, however the output from this modeling did not meet the statistical confidence thresholds required to predict the impact of this variant on FOXP1 protein function. In summary, the available evidence is currently insufficient to determine the role of this variant in disease. Therefore, it has been classified as a Variant of Uncertain Significance.